The following is an entry in ClinVar:

ClinVar aggregate classification (germline): Uncertain significance. Review status: criteria provided, multiple submitters, no conflicts (2 of 4 stars). 2 submissions from 2 submitters: Uncertain significance (2). Last evaluated 2025-05-31.

Conditions:
Hereditary cancer-predisposing syndrome. Also called: Tumor predisposition; Hereditary Cancer Syndrome; Neoplastic Syndromes, Hereditary; Hereditary neoplastic syndrome. Identifiers: Orphanet 140162, MedGen C0027672, MeSH D009386, MONDO:0015356.
Familial cancer of breast. Also called: hereditary breast carcinoma; BREAST CANCER, FAMILIAL; Hereditary breast cancer. Identifiers: Orphanet 227535, MedGen C0346153, MONDO:0016419, OMIM 114480. Disease mechanism: loss of function.
Fanconi anemia complementation group J. Also called: BRIP1-Related Fanconi Anemia. Identifiers: Orphanet 84, MedGen C1836860, MONDO:0012187, OMIM 609054.

Submissions (2):

Ambry Genetics
Classification: Uncertain significance for Hereditary cancer-predisposing syndrome. Last evaluated: 2025-05-31. Review status: criteria provided, single submitter. Criteria: Ambry Variant Classification Scheme 2023. Collection method: clinical testing. Allele origin: germline.
Comment: The p.G492V variant (also known as c.1475G>T), located in coding exon 10 of the BRIP1 gene, results from a G to T substitution at nucleotide position 1475. The glycine at codon 492 is replaced by valine, an amino acid with dissimilar properties. This amino acid position is conserved. In addition, this alteration is predicted to be tolerated by in silico analysis. Based on the available evidence, the clinical significance of this variant remains unclear.

Labcorp Genetics (formerly Invitae), Labcorp
Classification: Uncertain significance for Familial cancer of breast; Fanconi anemia complementation group J. Last evaluated: 2022-03-02. Review status: criteria provided, single submitter. Criteria: Invitae Variant Classification Sherloc (09022015). Collection method: clinical testing. Allele origin: germline.
Comment: In summary, the available evidence is currently insufficient to determine the role of this variant in disease. Therefore, it has been classified as a Variant of Uncertain Significance. Algorithms developed to predict the effect of sequence changes on RNA splicing suggest that this variant may create or strengthen a splice site. Algorithms developed to predict the effect of missense changes on protein structure and function (SIFT, PolyPhen-2, Align-GVGD) all suggest that this variant is likely to be tolerated. ClinVar contains an entry for this variant (Variation ID: 1016261). This variant has not been reported in the literature in individuals affected with BRIP1-related conditions. This variant is not present in population databases (gnomAD no frequency). This sequence change replaces glycine, which is neutral and non-polar, with valine, which is neutral and non-polar, at codon 492 of the BRIP1 protein (p.Gly492Val).

NM_032043.3(BRIP1):c.1475G>T (p.Gly492Val)

Gene: BRIP1 (BRCA1 interacting DNA helicase 1; minus strand). Cytogenetic location: 17q23.2.
Variant type: single nucleotide variant.
Coding change: c.1475G>T on transcript NM_032043.3 (MANE Select); coding-DNA position 1475, G replaced by T.
Protein change: p.Gly492Val; replaces glycine 492 with valine.
Molecular consequence: missense variant.
Genome position (GRCh38, 1-based): chr17:61,784,423, C>A on the plus strand (G>T on the coding strand, the complement: BRIP1 is on the minus strand). VCF-style: chr17-61784423-C-A. GRCh37 (hg19) VCF-style: chr17-59861784-C-A.
Other names: c.1475G>T (NM_032043.2); short protein forms G492V.
Identifiers: ClinVar variation 1016261 (VCV001016261.10), dbSNP rs2077672955, ClinGen allele CA400481778.
Genomic context (GRCh38, chr17:61,784,423, plus strand): 5'-TCCTCTTTACCATAAATTGGTGAGATTTTTTCCTCTTTTTGAAGAACAGCAGAAAAATGT[C>A]CCTATAAGAAATTACCATATTAAGTATAGAGGGGTTGGGAGGGAATTGGAAAAAGAAACT-3'
Protein context (NP_114432.2, residues 482-502): ITTATFPILQ[Gly492Val]HFSAVLQKEE